The following is an entry in ClinVar:

ClinVar aggregate classification (germline): Benign/Likely benign. Review status: criteria provided, multiple submitters, no conflicts (2 of 4 stars). 5 submissions from 5 submitters: Benign (3); Likely benign (2). Last evaluated 2026-01-30.

Conditions:
Primary ciliary dyskinesia. Also called: Ciliary dyskinesia. Identifiers: Orphanet 244, MedGen C0008780, MONDO:0016575, HP:0012265.

Allele frequency attached by ClinVar (database versions not stated): gnomAD 0.00006 and 0.00007; gnomAD exomes 0.00007 and 0.00035; TOPMed 0.00025; ExAC 0.00031.
gnomAD v4.1: 113 of 1,613,416 alleles (0.007%); highest among the groups gnomAD compares: Admixed American, 0.16%; no homozygotes.

Submissions (5):

Labcorp Genetics (formerly Invitae), Labcorp
Classification: Benign for Primary ciliary dyskinesia. Last evaluated: 2026-01-30. Review status: criteria provided, single submitter. Criteria: Invitae Variant Classification Sherloc (09022015). Collection method: clinical testing. Allele origin: germline.

Mayo Clinic Laboratories, Mayo Clinic
Classification: Likely benign. Last evaluated: 2025-01-20. Review status: criteria provided, single submitter. Criteria: ACMG Guidelines, 2015. Collection method: clinical testing. Allele origin: germline. Observed: 1 variant allele.
Comment: BP4, BP7

Blueprint Genetics
Classification: Likely benign. Last evaluated: 2024-03-08. Review status: criteria provided, single submitter. Criteria: ACMG Guidelines, 2015. Collection method: clinical testing. Allele origin: germline.

Ambry Genetics
Classification: Benign for Primary ciliary dyskinesia. Last evaluated: 2018-09-14. Review status: criteria provided, single submitter. Criteria: Ambry Variant Classification Scheme 2023. Collection method: clinical testing. Allele origin: germline.

Breakthrough Genomics
Classification: Benign. Review status: criteria provided, single submitter. Criteria: ACMG Guidelines, 2015. Collection method: not provided. Allele origin: germline. Inheritance: Autosomal recessive inheritance. Affected: yes.

NM_001364171.2(ODAD1):c.708G>A (p.Ala236=)

Gene: ODAD1 (outer dynein arm docking complex subunit 1; minus strand). Cytogenetic location: 19q13.33.
Variant type: single nucleotide variant.
Coding change: c.708G>A on transcript NM_001364171.2 (MANE Select); coding-DNA position 708, G replaced by A.
Protein change: p.Ala236=; no amino-acid change (alanine 236 retained).
Molecular consequence: synonymous variant.
Genome position (GRCh38, 1-based): chr19:48,304,098, C>T on the plus strand (G>A on the coding strand, the complement: ODAD1 is on the minus strand). VCF-style: chr19-48304098-C-T. GRCh37 (hg19) VCF-style: chr19-48807355-C-T.
Other names: p.Ala199=; c.597G>A, p.Ala199= (NM_144577.4).
Identifiers: ClinVar variation 413800 (VCV000413800.15), dbSNP rs755132968, ClinGen allele CA9548978.
Genomic context (GRCh38, chr19:48,304,098, plus strand): 5'-GTGCAAGATCTGCCGCTGCAGGACCTGCGCCTCCATCTCGCTCTGGGCCTCCTCTTTCTC[C>T]GCGCGCTCCCGCAGCAAGCCCATCTTGGCCTTCGCCTCCTCCCTGCGGGGGTCAGCCGGG-3'
Protein context (NP_001351100.1, residues 226-246): KAKMGLLRER[Ala236=]EKEEAQSEME